The following is an entry in ClinVar:

ClinVar aggregate classification (germline): Uncertain significance (1 of 4 stars; one submission).

Conditions:
Hereditary cancer-predisposing syndrome. Also called: Hereditary Cancer Syndrome; Hereditary neoplastic syndrome; Neoplastic Syndromes, Hereditary; Tumor predisposition. Identifiers: Orphanet 140162, MedGen C0027672, MeSH D009386, MONDO:0015356.

Submission:

Ambry Genetics
Classification: Uncertain significance for Hereditary cancer-predisposing syndrome. Last evaluated: 2025-05-20. Review status: criteria provided, single submitter. Criteria: Ambry Variant Classification Scheme 2023. Collection method: clinical testing. Allele origin: germline.
Comment: The p.P65Q variant (also known as c.194C>A), located in coding exon 3 of the MUTYH gene, results from a C to A substitution at nucleotide position 194. The proline at codon 65 is replaced by glutamine, an amino acid with similar properties. This amino acid position is conserved. In addition, this alteration is predicted to be tolerated by in silico analysis. Based on the available evidence, the clinical significance of this variant remains unclear.

NM_001128425.2(MUTYH):c.194C>A (p.Pro65Gln)

Gene: MUTYH (mutY DNA glycosylase; minus strand). Cytogenetic location: 1p34.1.
Variant type: single nucleotide variant.
Coding change: c.194C>A on transcript NM_001128425.2 (MANE Plus Clinical); coding-DNA position 194, C replaced by A.
Protein change: p.Pro65Gln; replaces proline 65 with glutamine.
Molecular consequence: missense variant. On other transcripts: intron variant (24).
Genome position (GRCh38, 1-based): chr1:45,333,567, G>T on the plus strand (C>A on the coding strand, the complement: MUTYH is on the minus strand). VCF-style: chr1-45333567-G-T. GRCh37 (hg19) VCF-style: chr1-45799239-G-T.
Other names: c.116-3C>A (NM_001407078.1, NM_001048172.2, NM_001407079.1 and 2 more transcripts); c.116-6C>A (NM_001407081.1, NM_001407080.1, NM_001048173.2 and 7 more transcripts); c.-97-70C>A (NM_001293196.2, NM_001293192.2, NM_001407091.1); c.143C>A, p.Pro48Gln (NM_001293191.2, NM_001407077.1); c.185C>A, p.Pro62Gln (NM_001407069.1, NM_012222.3); c.26C>A, p.Pro9Gln (NM_001407075.1); c.152C>A, p.Pro51Gln (NM_001407083.1, NM_001407085.1); c.-92-70C>A (NM_001350651.2, NM_001407082.1); and 4 more; short protein forms P9Q, P51Q, P62Q, P48Q, P65Q.
Identifiers: ClinVar variation 3914957 (VCV003914957.1).
Genomic context (GRCh38, chr1:45,333,567, plus strand): 5'-TGGTATGAGGAGACAGAGGCCTGCAATACCACCTCTTCCGGCTGCCTGGCCAGGCCTGCT[G>T]GGGCCCCAGGACACTCAGCAATCATCCCTGCACAGGCTGTGCATCAGGGTCTTGGGACAC-3'
Protein context (NP_001121897.1, residues 55-75): AGMIAECPGA[Pro65Gln]AGLARQPEEV